The following is an entry in ClinVar:

NM_004385.5(VCAN):c.8581C>T (p.Pro2861Ser)

Genes: VCAN (versican; plus strand), VCAN-AS1 (VCAN antisense RNA 1; minus strand). Cytogenetic location: 5q14.3.
Variant type: single nucleotide variant.
Coding change: c.8581C>T on transcript NM_004385.5 (MANE Select); coding-DNA position 8581, C replaced by T.
Protein change: p.Pro2861Ser; replaces proline 2861 with serine.
Molecular consequence: missense variant. On other transcripts: intron variant (2).
Genome position (GRCh38, 1-based): chr5:83,541,584, C>T. VCF-style: chr5-83541584-C-T. GRCh37 (hg19) VCF-style: chr5-82837403-C-T.
Other names: c.5620C>T, p.Pro1874Ser (NM_001164097.2); c.4004-3953C>T (NM_001164098.2); c.1043-3953C>T (NM_001126336.3); short protein forms P2861S, P1874S.
Identifiers: ClinVar variation 2781788 (VCV002781788.3), dbSNP rs775159861, ClinGen allele CA3333833.

ClinVar aggregate classification (germline): Uncertain significance (1 of 4 stars; one submission).

Allele frequency attached by ClinVar (database versions not stated): gnomAD exomes 0.00001; ExAC 0.00002; TOPMed 0.00002.
gnomAD v4.1: 8 of 1,613,840 alleles (0.0005%); highest among the groups gnomAD compares: Non-Finnish European, 0.00068%; no homozygotes.

Submission:

Labcorp Genetics (formerly Invitae), Labcorp
Classification: Uncertain significance. Last evaluated: 2024-11-04. Review status: criteria provided, single submitter. Criteria: Invitae Variant Classification Sherloc (09022015). Collection method: clinical testing. Allele origin: germline.
Comment: This sequence change replaces proline, which is neutral and non-polar, with serine, which is neutral and polar, at codon 2861 of the VCAN protein (p.Pro2861Ser). This variant is present in population databases (rs775159861, gnomAD 0.003%). This variant has not been reported in the literature in individuals affected with VCAN-related conditions. ClinVar contains an entry for this variant (Variation ID: 2781788). An algorithm developed to predict the effect of missense changes on protein structure and function outputs the following: PolyPhen-2: "Benign". The serine amino acid residue is found in multiple mammalian species, which suggests that this missense change does not adversely affect protein function. In summary, the available evidence is currently insufficient to determine the role of this variant in disease. Therefore, it has been classified as a Variant of Uncertain Significance.